The following is an entry in ClinVar:

NM_000059.4(BRCA2):c.7618-3T>C

Gene: BRCA2 (BRCA2 DNA repair associated; plus strand). Cytogenetic location: 13q13.1.
Variant type: single nucleotide variant.
Coding change: c.7618-3T>C on transcript NM_000059.4 (MANE Select); 3 bases into the intron before coding-DNA position 7618, T replaced by C.
Molecular consequence: intron variant.
Genome position (GRCh38, 1-based): chr13:32,357,739, T>C. VCF-style: chr13-32357739-T-C. GRCh37 (hg19) VCF-style: chr13-32931876-T-C.
Identifiers: ClinVar variation 506307 (VCV000506307.9), dbSNP rs1555286385, ClinGen allele CA658798120.

ClinVar aggregate classification (germline): Conflicting classifications of pathogenicity. Review status: criteria provided, conflicting classifications (1 of 4 stars). 3 submissions from 3 submitters: Uncertain significance (2); Likely benign (1). Last evaluated 2025-04-13.

Conditions:
Hereditary cancer-predisposing syndrome. Also called: Neoplastic Syndromes, Hereditary; Hereditary Cancer Syndrome; Tumor predisposition; Hereditary neoplastic syndrome. Identifiers: Orphanet 140162, MedGen C0027672, MeSH D009386, MONDO:0015356.
Hereditary breast ovarian cancer syndrome. Also called: Hereditary breast and ovarian cancer syndrome (HBOC); Breast and ovarian cancer; BRCA1- and BRCA2-Associated Hereditary Breast and Ovarian Cancer; Hereditary breast and ovarian cancer; Hereditary breast and/or ovarian cancer syndrome; Hereditary breast and ovarian cancer syndrome. Identifiers: Orphanet 145, MedGen C0677776, MeSH D061325, MONDO:0003582. Disease mechanism: loss of function.

Allele frequency attached by ClinVar (database versions not stated): gnomAD exomes below 0.00001.
gnomAD v4.1: 1 of 1,609,982 alleles (0.000062%); highest among the groups gnomAD compares: Non-Finnish European, 0.000085%; no homozygotes.

Submissions (3):

Ambry Genetics
Classification: Uncertain significance for Hereditary cancer-predisposing syndrome. Last evaluated: 2025-04-13. Review status: criteria provided, single submitter. Criteria: Ambry Variant Classification Scheme 2023. Collection method: clinical testing. Allele origin: germline.
Comment: The c.7618-3T>C intronic variant results from a T to C substitution 3 nucleotides upstream from coding exon 15 in the BRCA2 gene. This nucleotide position is poorly conserved in available vertebrate species. In silico splice site analysis predicts that this alteration will not have any significant effect on splicing. Based on the available evidence, the clinical significance of this variant remains unclear.

Labcorp Genetics (formerly Invitae), Labcorp
Classification: Uncertain significance for Hereditary breast ovarian cancer syndrome. Last evaluated: 2022-11-15. Review status: criteria provided, single submitter. Criteria: Invitae Variant Classification Sherloc (09022015). Collection method: clinical testing. Allele origin: germline.
Comment: In summary, the available evidence is currently insufficient to determine the role of this variant in disease. Therefore, it has been classified as a Variant of Uncertain Significance. Variants that disrupt the consensus splice site are a relatively common cause of aberrant splicing (PMID: 17576681, 9536098). Algorithms developed to predict the effect of sequence changes on RNA splicing suggest that this variant is not likely to affect RNA splicing. ClinVar contains an entry for this variant (Variation ID: 506307). This variant has not been reported in the literature in individuals affected with BRCA2-related conditions. This variant is not present in population databases (gnomAD no frequency). This sequence change falls in intron 15 of the BRCA2 gene. It does not directly change the encoded amino acid sequence of the BRCA2 protein. It affects a nucleotide within the consensus splice site.

GeneDx
Classification: Likely benign. Last evaluated: 2017-05-09. Review status: criteria provided, single submitter. Criteria: GeneDx Variant Classification (06012015). Collection method: clinical testing. Allele origin: germline. Affected: yes.
Comment: This variant is considered likely benign or benign based on one or more of the following criteria: it is a conservative change, it occurs at a poorly conserved position in the protein, it is predicted to be benign by multiple in silico algorithms, and/or has population frequency not consistent with disease.

Literature cited by the submitters: PubMed 17576681 (cited by Labcorp Genetics (formerly Invitae), Labcorp); PubMed 9536098 (cited by Labcorp Genetics (formerly Invitae), Labcorp).